The following is an entry in ClinVar:

NM_001349253.2(SCN11A):c.3117G>A (p.Trp1039Ter)

Gene: SCN11A (sodium voltage-gated channel alpha subunit 11; minus strand). Cytogenetic location: 3p22.2.
Variant type: single nucleotide variant.
Coding change: c.3117G>A on transcript NM_001349253.2 (MANE Select); coding-DNA position 3117, G replaced by A.
Protein change: p.Trp1039Ter; replaces tryptophan 1039 with a stop codon.
Molecular consequence: nonsense.
Genome position (GRCh38, 1-based): chr3:38,883,335, C>T on the plus strand (G>A on the coding strand, the complement: SCN11A is on the minus strand). VCF-style: chr3-38883335-C-T. GRCh37 (hg19) VCF-style: chr3-38924826-C-T.
Other names: c.3117G>A, p.Trp1039Ter (NM_014139.3); short protein forms W1039*.
Identifiers: ClinVar variation 3748512 (VCV003748512.2).

ClinVar aggregate classification (germline): Uncertain significance (1 of 4 stars; one submission).

Conditions:
Hereditary sensory and autonomic neuropathy type 7. Also called: HSAN VII; Neuropathy, hereditary sensory and autonomic, type VII. Identifiers: Orphanet 391397, MedGen C3809882, MONDO:0014244, OMIM 615548.
Familial episodic pain syndrome with predominantly lower limb involvement. Also called: Episodic pain syndrome, familial, 3. Identifiers: Orphanet 391384, Orphanet 391392, MedGen C3809899, MONDO:0014247, OMIM 615552.

gnomAD v4.1: 3 of 1,614,004 alleles (0.00019%); highest among the groups gnomAD compares: South Asian, 0.0011%; no homozygotes.

Submission:

Labcorp Genetics (formerly Invitae), Labcorp
Classification: Uncertain significance for Familial episodic pain syndrome with predominantly lower limb involvement; Hereditary sensory and autonomic neuropathy type 7. Last evaluated: 2024-12-31. Review status: criteria provided, single submitter. Criteria: Invitae Variant Classification Sherloc (09022015). Collection method: clinical testing. Allele origin: germline.
Comment: This sequence change creates a premature translational stop signal (p.Trp1039*) in the SCN11A gene. It is expected to result in an absent or disrupted protein product. However, the current clinical and genetic evidence is not sufficient to establish whether loss-of-function variants in SCN11A cause disease. This variant is present in population databases (rs762482704, gnomAD 0.003%). This variant has not been reported in the literature in individuals affected with SCN11A-related conditions. In summary, the available evidence is currently insufficient to determine the role of this variant in disease. Therefore, it has been classified as a Variant of Uncertain Significance.